The following is an entry in ClinVar:

NM_207361.6(FREM2):c.7129A>G (p.Ile2377Val)

Gene: FREM2 (FRAS1 related extracellular matrix 2; plus strand). Cytogenetic location: 13q13.3.
Variant type: single nucleotide variant.
Coding change: c.7129A>G on transcript NM_207361.6 (MANE Select); coding-DNA position 7129, A replaced by G.
Protein change: p.Ile2377Val; replaces isoleucine 2377 with valine.
Molecular consequence: missense variant.
Genome position (GRCh38, 1-based): chr13:38,857,947, A>G. VCF-style: chr13-38857947-A-G. GRCh37 (hg19) VCF-style: chr13-39432084-A-G.
Other names: short protein forms I2377V.
Identifiers: ClinVar variation 3348088 (VCV003348088.1).

ClinVar aggregate classification (germline): Uncertain significance (0 of 4 stars; one submission).

Conditions:
FREM2-related disorder. Also called: FREM2-related condition.

gnomAD v4.1: 5 of 1,613,824 alleles (0.00031%); highest among the groups gnomAD compares: South Asian, 0.0011%; no homozygotes.

Submission:

PreventionGenetics, part of Exact Sciences
Classification: Uncertain significance for FREM2-related condition. Last evaluated: 2024-08-30. Review status: no assertion criteria provided. Collection method: clinical testing. Allele origin: germline.
Comment: The FREM2 c.7129A>G variant is predicted to result in the amino acid substitution p.Ile2377Val. To our knowledge, this variant has not been reported in the literature or in a large population database, indicating this variant is rare. At this time, the clinical significance of this variant is uncertain due to the absence of conclusive functional and genetic evidence.